The following is an entry in ClinVar:

NM_001040142.2(SCN2A):c.840A>G (p.Gln280=)

Gene: SCN2A (sodium voltage-gated channel alpha subunit 2; plus strand). Cytogenetic location: 2q24.3.
Variant type: single nucleotide variant.
Coding change: c.840A>G on transcript NM_001040142.2 (MANE Select); coding-DNA position 840, A replaced by G.
Protein change: p.Gln280=; no amino-acid change (glutamine 280 retained).
Molecular consequence: synonymous variant.
Genome position (GRCh38, 1-based): chr2:165,310,465, A>G. VCF-style: chr2-165310465-A-G. GRCh37 (hg19) VCF-style: chr2-166166975-A-G.
Other names: c.840A>G, p.Gln280= (NM_001040143.2, NM_001371246.1, NM_001371247.1 and 1 more transcripts).
Identifiers: ClinVar variation 464922 (VCV000464922.33), dbSNP rs377200041, ClinGen allele CA1939704.

ClinVar aggregate classification (germline): Likely benign. Review status: criteria provided, multiple submitters, no conflicts (2 of 4 stars). 2 submissions from 2 submitters: Likely benign (2). Last evaluated 2025-02-12.

Conditions:
Developmental and epileptic encephalopathy, 11 (DEE11). Also called: Early infantile epileptic encephalopathy 11. Identifiers: Orphanet 1934, MedGen C3150987, MONDO:0013388, OMIM 613721.
Seizures, benign familial infantile, 3 (BFIS3). Also called: Familial neonatal seizures; CONVULSIONS, BENIGN FAMILIAL INFANTILE, 3. Identifiers: Orphanet 140927, Orphanet 306, MedGen C1843140, MONDO:0011904, OMIM 607745.

Allele frequency attached by ClinVar (database versions not stated): ESP Exome Variant Server 0.00008; gnomAD exomes 0.00012 and 0.00006; TOPMed 0.00002; ExAC 0.00003; gnomAD 0.00003 and 0.00004.
gnomAD v4.1: 183 of 1,613,536 alleles (0.011%); highest among the groups gnomAD compares: Middle Eastern, 0.016%; no homozygotes.

Submissions (2):

Labcorp Genetics (formerly Invitae), Labcorp
Classification: Likely benign for Seizures, benign familial infantile, 3; Developmental and epileptic encephalopathy, 11. Last evaluated: 2025-02-12. Review status: criteria provided, single submitter. Criteria: Invitae Variant Classification Sherloc (09022015). Collection method: clinical testing. Allele origin: germline.

CeGaT Center for Human Genetics Tuebingen
Classification: Likely benign. Last evaluated: 2023-08-01. Review status: criteria provided, single submitter. Criteria: CeGaT Center For Human Genetics Tuebingen Variant Classification Criteria Version 2. Collection method: clinical testing. Allele origin: germline. Affected: yes. Observed: 2 variant alleles.
Comment: SCN2A: BP4, BP7